The following is an entry in ClinVar:

ClinVar aggregate classification (germline): Uncertain significance (1 of 4 stars; one submission).

Allele frequency attached by ClinVar (database versions not stated): gnomAD exomes below 0.00001; TOPMed below 0.00001.
gnomAD v4.1: 1 of 1,614,140 alleles (0.000062%); highest among the groups gnomAD compares: Admixed American, 0.0017%; no homozygotes.

Submission:

Labcorp Genetics (formerly Invitae), Labcorp
Classification: Uncertain significance. Last evaluated: 2024-11-11. Review status: criteria provided, single submitter. Criteria: Invitae Variant Classification Sherloc (09022015). Collection method: clinical testing. Allele origin: germline.
Comment: This sequence change replaces lysine, which is basic and polar, with glutamine, which is neutral and polar, at codon 4460 of the LRP2 protein (p.Lys4460Gln). This variant is not present in population databases (gnomAD no frequency). This variant has not been reported in the literature in individuals affected with LRP2-related conditions. ClinVar contains an entry for this variant (Variation ID: 1419082). Invitae Evidence Modeling of protein sequence and biophysical properties (such as structural, functional, and spatial information, amino acid conservation, physicochemical variation, residue mobility, and thermodynamic stability) indicates that this missense variant is not expected to disrupt LRP2 protein function with a negative predictive value of 95%. In summary, the available evidence is currently insufficient to determine the role of this variant in disease. Therefore, it has been classified as a Variant of Uncertain Significance.

NM_004525.3(LRP2):c.13378A>C (p.Lys4460Gln)

Gene: LRP2 (LDL receptor related protein 2; minus strand). Cytogenetic location: 2q31.1.
Variant type: single nucleotide variant.
Coding change: c.13378A>C on transcript NM_004525.3 (MANE Select); coding-DNA position 13378, A replaced by C.
Protein change: p.Lys4460Gln; replaces lysine 4460 with glutamine.
Molecular consequence: missense variant.
Genome position (GRCh38, 1-based): chr2:169,139,261, T>G on the plus strand (A>C on the coding strand, the complement: LRP2 is on the minus strand). VCF-style: chr2-169139261-T-G. GRCh37 (hg19) VCF-style: chr2-169995771-T-G.
Other names: short protein forms K4460Q.
Identifiers: ClinVar variation 1419082 (VCV001419082.7), dbSNP rs1685631478, ClinGen allele CA349155468.
Genomic context (GRCh38, chr2:169,139,261, plus strand): 5'-TATGAATTTCTTAGGCTTCAAACATCAACGTTCCCCATAATGAAACTGACCTTGGCAGCT[T>G]GGGCAGAGCAGGCAAAAGGGAGCCGGTCCTTCTATAGTGGAAGAATCCTGCAATTGCCAG-3'
Protein context (NP_004516.2, residues 4450-4470): RTGSLLPALP[Lys4460Gln]LPSLSSLVKP